The following is an entry in ClinVar:

ClinVar aggregate classification (germline): Likely benign. Review status: criteria provided, single submitter (1 of 4 stars). 2 submissions from 2 submitters: Likely benign (1). 1 of the submissions does not count toward it. Last evaluated 2022-11-01.

Conditions:
FBN3-related disorder. Also called: FBN3-related condition.

Allele frequency attached by ClinVar (database versions not stated): 1000 Genomes Project 30x 0.00078; 1000 Genomes Project 0.00100; ESP Exome Variant Server 0.00208; TOPMed 0.00349; gnomAD 0.00410; gnomAD exomes 0.00517; ExAC 0.00570.

Submissions (2):

CeGaT Center for Human Genetics Tuebingen
Classification: Likely benign. Last evaluated: 2022-11-01. Review status: criteria provided, single submitter. Criteria: CeGaT Center For Human Genetics Tuebingen Variant Classification Criteria Version 2. Collection method: clinical testing. Allele origin: germline. Affected: yes. Observed: 2 variant alleles.
Comment: FBN3: BP4, BP7, BS2

PreventionGenetics, part of Exact Sciences
Classification: Benign for FBN3-related condition. Last evaluated: 2019-07-19. Review status: no assertion criteria provided. Collection method: clinical testing. Allele origin: germline. Not counted in ClinVar's aggregate classification.
Comment: This variant is classified as benign based on ACMG/AMP sequence variant interpretation guidelines (Richards et al. 2015 PMID: 25741868, with internal and published modifications).

NM_032447.5(FBN3):c.3099C>T (p.Arg1033=)

Gene: FBN3 (fibrillin 3; minus strand). Cytogenetic location: 19p13.2.
Variant type: single nucleotide variant.
Coding change: c.3099C>T on transcript NM_032447.5 (MANE Select); coding-DNA position 3099, C replaced by T.
Protein change: p.Arg1033=; no amino-acid change (arginine 1033 retained).
Molecular consequence: synonymous variant.
Genome position (GRCh38, 1-based): chr19:8,121,370, G>A on the plus strand (C>T on the coding strand, the complement: FBN3 is on the minus strand). VCF-style: chr19-8121370-G-A. GRCh37 (hg19) VCF-style: chr19-8186254-G-A.
Other names: c.3099C>T, p.Arg1033= (NM_001321431.2); c.3099C>T (NM_001321431.1).
Identifiers: ClinVar variation 2649189 (VCV002649189.25), dbSNP rs117616097, ClinGen allele CA9152570.